The following is an entry in ClinVar:

NM_001165963.4(SCN1A):c.4424T>G (p.Leu1475Trp)

Genes: SCN1A (sodium voltage-gated channel alpha subunit 1; minus strand), LOC102724058 (uncharacterized LOC102724058; plus strand). Cytogenetic location: 2q24.3.
Variant type: single nucleotide variant.
Coding change: c.4424T>G on transcript NM_001165963.4 (MANE Select); coding-DNA position 4424, T replaced by G.
Protein change: p.Leu1475Trp; replaces leucine 1475 with tryptophan.
Molecular consequence: missense variant. On other transcripts: non-coding transcript variant (1).
Genome position (GRCh38, 1-based): chr2:165,998,090, A>C on the plus strand (T>G on the coding strand, the complement: SCN1A is on the minus strand). VCF-style: chr2-165998090-A-C. GRCh37 (hg19) VCF-style: chr2-166854600-A-C.
Other names: c.4340T>G, p.Leu1447Trp (NM_001165964.3, NM_001353957.2, NM_001353958.2); c.4424T>G, p.Leu1475Trp (NM_001202435.3, NM_001353948.2); c.4391T>G, p.Leu1464Trp (NM_001353949.2, NM_001353950.2, NM_001353951.2 and 2 more transcripts); c.4388T>G, p.Leu1463Trp (NM_001353954.2, NM_001353955.2); c.4337T>G, p.Leu1446Trp (NM_001353960.2); c.1982T>G, p.Leu661Trp (NM_001353961.2); short protein forms L1447W, L1475W, L661W, L1464W, L1446W, L1463W.
Identifiers: ClinVar variation 1503821 (VCV001503821.9), dbSNP rs121917947, ClinGen allele CA349049326.
Genomic context (GRCh38, chr2:165,998,090, plus strand): 5'-ATACTTATCTTCTTTTTCTGCTGGTTGAAATTATCTATGATGACACCAATAAACAGGTTC[A>C]AGGTGAAGAAGGACCCAAAGATGATGAAAATAACAAAGTAAAGATACATGTACAGACTTT-3'
Protein context (NP_001159435.1, residues 1465-1485): IFIIFGSFFT[Leu1475Trp]NLFIGVIIDN

ClinVar aggregate classification (germline): Uncertain significance (1 of 4 stars; one submission).

Conditions:
Early-infantile DEE. Also called: Early infantile epileptic encephalopathy; Ohtahara syndrome; Early infantile epileptic encephalopathy with suppression bursts. Identifiers: Orphanet 1934, MedGen C0393706, MONDO:0800491.

Submission:

Labcorp Genetics (formerly Invitae), Labcorp
Classification: Uncertain significance for Early-infantile DEE. Last evaluated: 2021-01-19. Review status: criteria provided, single submitter. Criteria: Invitae Variant Classification Sherloc (09022015). Collection method: clinical testing. Allele origin: germline.
Comment: This variant is not present in population databases (ExAC no frequency). In summary, the available evidence is currently insufficient to determine the role of this variant in disease. Therefore, it has been classified as a Variant of Uncertain Significance. Advanced modeling of protein sequence and biophysical properties (such as structural, functional, and spatial information, amino acid conservation, physicochemical variation, residue mobility, and thermodynamic stability) performed at Invitae indicates that this missense variant is expected to disrupt SCN1A protein function. This variant has been observed in individual(s) with clinical features of SCN1A-related conditions (Invitae). This sequence change replaces leucine with tryptophan at codon 1475 of the SCN1A protein (p.Leu1475Trp). The leucine residue is highly conserved and there is a small physicochemical difference between leucine and tryptophan.